The following is an entry in ClinVar:

NM_001033044.4(GLUL):c.*2516A>G

Gene: GLUL (glutamate-ammonia ligase; minus strand). Cytogenetic location: 1q25.3.
Variant type: single nucleotide variant.
Coding change: c.*2516A>G on transcript NM_001033044.4 (MANE Select); 2516 bases downstream of the stop codon, A replaced by G.
Molecular consequence: 3 prime UTR variant.
Genome position (GRCh38, 1-based): chr1:182,381,889, T>C on the plus strand (A>G on the coding strand, the complement: GLUL is on the minus strand). VCF-style: chr1-182381889-T-C. GRCh37 (hg19) VCF-style: chr1-182351024-T-C.
Other names: c.*2516A>G (NM_001033056.4, NM_002065.7).
Identifiers: ClinVar variation 293886 (VCV000293886.5), dbSNP rs140277335, ClinGen allele CA10608429.

ClinVar aggregate classification (germline): Benign (1 of 4 stars; one submission).

Conditions:
Congenital brain dysgenesis due to glutamine synthetase deficiency (GLND). Also called: GLUTAMINE SYNTHASE DEFICIENCY, CONGENITAL SYSTEMIC. Identifiers: Orphanet 71278, MedGen C1864910, MONDO:0012393, OMIM 610015.

Allele frequency attached by ClinVar (database versions not stated): gnomAD 0.00056 and 0.00039; 1000 Genomes Project 30x 0.00359; TOPMed 0.00060; 1000 Genomes Project 0.00379.

Submission:

Illumina Laboratory Services, Illumina
Classification: Benign for Congenital brain dysgenesis due to glutamine synthetase deficiency. Last evaluated: 2018-01-12. Review status: criteria provided, single submitter. Criteria: ICSL Variant Classification Criteria 13 December 2019. Collection method: clinical testing. Allele origin: germline.
Comment: This variant was observed in the ICSL laboratory as part of a predisposition screen in an ostensibly healthy population. It had not been previously curated by ICSL or reported in the Human Gene Mutation Database (HGMD: prior to June 1st, 2018), and was therefore a candidate for classification through an automated scoring system. Utilizing variant allele frequency, disease prevalence and penetrance estimates, and inheritance mode, an automated score was calculated to assess if this variant is too frequent to cause the disease. Based on the score and internal cut-off values, a variant classified as benign is not then subjected to further curation. The score for this variant resulted in a classification of benign for this disease.